The following is an entry in ClinVar:

NM_004656.4(BAP1):c.2068A>G (p.Asn690Asp)

Gene: BAP1 (BRCA1 associated deubiquitinase 1; minus strand). Cytogenetic location: 3p21.1.
Variant type: single nucleotide variant.
Coding change: c.2068A>G on transcript NM_004656.4 (MANE Select); coding-DNA position 2068, A replaced by G.
Protein change: p.Asn690Asp; replaces asparagine 690 with aspartic acid.
Molecular consequence: missense variant.
Genome position (GRCh38, 1-based): chr3:52,402,410, T>C on the plus strand (A>G on the coding strand, the complement: BAP1 is on the minus strand). VCF-style: chr3-52402410-T-C. GRCh37 (hg19) VCF-style: chr3-52436426-T-C.
Other names: short protein forms N690D.
Identifiers: ClinVar variation 629968 (VCV000629968.5), dbSNP rs1559584750, ClinGen allele CA353094535.
Genomic context (GRCh38, chr3:52,402,410, plus strand): 5'-GGAGCCGGCCGATGCTGACCCCTTGGCGCCGCCGCACGGAGATGTTCTGCTCCACTAGGT[T>C]GGCCAGCATGCCTGCGAAGAGGTAGAGACCCTTGAGCAGGTGCTGGCTGCCTCAGGCCAG-3'
Protein context (NP_004647.1, residues 680-700): SMLAQEGMLA[Asn690Asp]LVEQNISVRR

ClinVar aggregate classification (germline): Uncertain significance (1 of 4 stars; one submission).

Conditions:
Hereditary cancer-predisposing syndrome. Also called: Neoplastic Syndromes, Hereditary; Tumor predisposition; Hereditary neoplastic syndrome; Hereditary Cancer Syndrome. Identifiers: Orphanet 140162, MedGen C0027672, MeSH D009386, MONDO:0015356.

Submission:

Color Diagnostics, LLC DBA Color Health
Classification: Uncertain significance for Hereditary cancer-predisposing syndrome. Last evaluated: 2023-12-05. Review status: criteria provided, single submitter. Criteria: ACMG Guidelines, 2015. Collection method: clinical testing. Allele origin: germline.
Comment: This missense variant replaces asparagine with aspartic acid at codon 690 of the BAP1 protein. Computational prediction suggests that this variant may not impact protein structure and function (internally defined REVEL score threshold <= 0.5, PMID: 27666373). To our knowledge, functional studies have not been reported for this variant. This variant has not been reported in individuals affected with BAP1-related disorders in the literature. This variant has not been identified in the general population by the Genome Aggregation Database (gnomAD). The available evidence is insufficient to determine the role of this variant in disease conclusively. Therefore, this variant is classified as a Variant of Uncertain Significance.